The following is an entry in ClinVar:

ClinVar aggregate classification (germline): Uncertain significance. Review status: criteria provided, multiple submitters, no conflicts (2 of 4 stars). 2 submissions from 2 submitters: Uncertain significance (2). Last evaluated 2025-08-18.

Conditions:
Hereditary cancer-predisposing syndrome. Also called: Hereditary neoplastic syndrome; Hereditary Cancer Syndrome; Neoplastic Syndromes, Hereditary; Tumor predisposition. Identifiers: Orphanet 140162, MedGen C0027672, MeSH D009386, MONDO:0015356.
Familial adenomatous polyposis 1 (FAP1). Also called: POLYPOSIS, ADENOMATOUS INTESTINAL; FAMILIAL ADENOMATOUS POLYPOSIS 1, ATTENUATED. Identifiers: MedGen C2713442, MONDO:0021056, OMIM 175100. Disease mechanism: loss of function.

Submissions (2):

Ambry Genetics
Classification: Uncertain significance for Hereditary cancer-predisposing syndrome. Last evaluated: 2025-08-18. Review status: criteria provided, single submitter. Criteria: Ambry Variant Classification Scheme 2023. Collection method: clinical testing. Allele origin: germline.
Comment: The p.K782E variant (also known as c.2344A>G), located in coding exon 15 of the APC gene, results from an A to G substitution at nucleotide position 2344. The lysine at codon 782 is replaced by glutamic acid, an amino acid with similar properties. This amino acid position is highly conserved in available vertebrate species. In addition, in silico predictors for this gene do not accurately predict pathogenicity. Missense alterations in APC are not a common cause of disease (Spier I et al. Genet Med. 2024 Feb;26(2):100992). Based on the available evidence, the clinical significance of this variant remains unclear.

Labcorp Genetics (formerly Invitae), Labcorp
Classification: Uncertain significance for Familial adenomatous polyposis 1. Last evaluated: 2024-05-21. Review status: criteria provided, single submitter. Criteria: Invitae Variant Classification Sherloc (09022015). Collection method: clinical testing. Allele origin: germline.
Comment: This sequence change replaces lysine, which is basic and polar, with glutamic acid, which is acidic and polar, at codon 782 of the APC protein (p.Lys782Glu). This variant is not present in population databases (gnomAD no frequency). This variant has not been reported in the literature in individuals affected with APC-related conditions. ClinVar contains an entry for this variant (Variation ID: 2567056). Advanced modeling of protein sequence and biophysical properties (such as structural, functional, and spatial information, amino acid conservation, physicochemical variation, residue mobility, and thermodynamic stability) performed at Invitae indicates that this missense variant is not expected to disrupt APC protein function with a negative predictive value of 95%. In summary, the available evidence is currently insufficient to determine the role of this variant in disease. Therefore, it has been classified as a Variant of Uncertain Significance.

NM_000038.6(APC):c.2344A>G (p.Lys782Glu)

Gene: APC (APC regulator of Wnt signaling pathway; plus strand). Cytogenetic location: 5q22.2.
Variant type: single nucleotide variant.
Coding change: c.2344A>G on transcript NM_000038.6 (MANE Select); coding-DNA position 2344, A replaced by G.
Protein change: p.Lys782Glu; replaces lysine 782 with glutamic acid.
Molecular consequence: missense variant. On other transcripts: non-coding transcript variant (2).
Genome position (GRCh38, 1-based): chr5:112,837,938, A>G. VCF-style: chr5-112837938-A-G. GRCh37 (hg19) VCF-style: chr5-112173635-A-G.
Other names: c.2344A>G, p.Lys782Glu (NM_001127510.3, NM_001354895.2, NM_001407450.1); c.2290A>G, p.Lys764Glu (NM_001127511.3); c.2398A>G, p.Lys800Glu (NM_001354896.2, NM_001407447.1, NM_001407448.1 and 1 more transcripts); c.2374A>G, p.Lys792Glu (NM_001354897.2); c.2269A>G, p.Lys757Glu (NM_001354898.2); c.2260A>G, p.Lys754Glu (NM_001354899.2); c.2221A>G, p.Lys741Glu (NM_001354900.2); c.2167A>G, p.Lys723Glu (NM_001354901.2, NM_001407453.1); and 11 more; short protein forms K653E, K681E, K764E, K499E, K622E, K691E, K699E, K741E.
Identifiers: ClinVar variation 2567056 (VCV002567056.5), dbSNP rs2149866929, ClinGen allele CA16026477.